The following is an entry in ClinVar:

ClinVar aggregate classification (germline): Uncertain significance (1 of 4 stars; one submission).

Allele frequency attached by ClinVar (database versions not stated): gnomAD exomes below 0.00001.

Submission:

Labcorp Genetics (formerly Invitae), Labcorp
Classification: Uncertain significance. Last evaluated: 2023-02-16. Review status: criteria provided, single submitter. Criteria: Invitae Variant Classification Sherloc (09022015). Collection method: clinical testing. Allele origin: germline.
Comment: This sequence change replaces threonine, which is neutral and polar, with isoleucine, which is neutral and non-polar, at codon 616 of the PLEKHM2 protein (p.Thr616Ile). This variant is present in population databases (no rsID available, gnomAD 0.0009%). This variant has not been reported in the literature in individuals affected with PLEKHM2-related conditions. ClinVar contains an entry for this variant (Variation ID: 1054868). An algorithm developed to predict the effect of missense changes on protein structure and function (PolyPhen-2) suggests that this variant is likely to be disruptive. In summary, the available evidence is currently insufficient to determine the role of this variant in disease. Therefore, it has been classified as a Variant of Uncertain Significance.

NM_015164.4(PLEKHM2):c.1847C>T (p.Thr616Ile)

Gene: PLEKHM2 (pleckstrin homology and RUN domain containing M2; plus strand). Cytogenetic location: 1p36.21.
Variant type: single nucleotide variant.
Coding change: c.1847C>T on transcript NM_015164.4 (MANE Select); coding-DNA position 1847, C replaced by T.
Protein change: p.Thr616Ile; replaces threonine 616 with isoleucine.
Molecular consequence: missense variant.
Genome position (GRCh38, 1-based): chr1:15,728,283, C>T. VCF-style: chr1-15728283-C-T. GRCh37 (hg19) VCF-style: chr1-16054778-C-T.
Other names: short protein forms T616I.
Identifiers: ClinVar variation 1054868 (VCV001054868.9), dbSNP rs1260363265, ClinGen allele CA338589830.